The following is an entry in ClinVar:

NM_001308093.3(GATA4):c.743T>C (p.Met248Thr)

Gene: GATA4 (GATA binding protein 4). Cytogenetic location: 8p23.1.
Variant type: single nucleotide variant.
Coding change: c.743T>C on transcript NM_001308093.3 (MANE Select); coding-DNA position 743, T replaced by C.
Protein change: p.Met248Thr; replaces methionine 248 with threonine.
Molecular consequence: missense variant.
Genome position (GRCh38, 1-based): chr8:11,749,042, T>C. VCF-style: chr8-11749042-T-C. GRCh37 (hg19) VCF-style: chr8-11606551-T-C.
Other names: c.122T>C, p.Met41Thr (NM_001308094.2, NM_001374273.1, NM_001374274.1); c.740T>C, p.Met247Thr (NM_002052.5); short protein forms M247T, M248T, M41T.
Identifiers: ClinVar variation 429335 (VCV000429335.6), dbSNP rs1131691325, ClinGen allele CA370312801.

ClinVar aggregate classification (germline): Uncertain significance. Review status: criteria provided, multiple submitters, no conflicts (2 of 4 stars). 2 submissions from 2 submitters: Uncertain significance (2). Last evaluated 2024-05-10.

Conditions:
Atrioventricular septal defect 4 (AVSD4). Identifiers: MedGen C3280781, MONDO:0013747, OMIM 614430.

Allele frequency attached by ClinVar (database versions not stated): gnomAD exomes below 0.00001.
gnomAD v4.1: 2 of 1,614,244 alleles (0.00012%); highest among the groups gnomAD compares: East Asian, 0.0022%; no homozygotes.

Submissions (2):

GeneDx
Classification: Uncertain significance. Last evaluated: 2024-05-10. Review status: criteria provided, single submitter. Criteria: GeneDx Variant Classification Process June 2021. Collection method: clinical testing. Allele origin: germline. Affected: yes.
Comment: Identified in an individual with persistent atrial fibrillation and atrial septal aneurysm, and a family history of atrial fibrillation; however other family members were not tested for the p.(M247T) variant and functional studies were not performed (PMID: 20363377); In silico analysis supports that this missense variant has a deleterious effect on protein structure/function; Not observed at significant frequency in large population cohorts (gnomAD); This variant is associated with the following publications: (PMID: 24265295, 25175087, 21874226, 21708142, 22552926, 35047139, 20363377)

Labcorp Genetics (formerly Invitae), Labcorp
Classification: Uncertain significance for Atrioventricular septal defect 4. Last evaluated: 2023-06-23. Review status: criteria provided, single submitter. Criteria: Invitae Variant Classification Sherloc (09022015). Collection method: clinical testing. Allele origin: germline.
Comment: In summary, the available evidence is currently insufficient to determine the role of this variant in disease. Therefore, it has been classified as a Variant of Uncertain Significance. Advanced modeling of protein sequence and biophysical properties (such as structural, functional, and spatial information, amino acid conservation, physicochemical variation, residue mobility, and thermodynamic stability) performed at Invitae indicates that this missense variant is expected to disrupt GATA4 protein function. ClinVar contains an entry for this variant (Variation ID: 429335). This missense change has been observed in individual(s) with atrial fibrillation (PMID: 20363377). This variant is present in population databases (no rsID available, gnomAD 0.006%). This sequence change replaces methionine, which is neutral and non-polar, with threonine, which is neutral and polar, at codon 247 of the GATA4 protein (p.Met247Thr).

Literature cited by the submitters: PubMed 20363377 (cited by Labcorp Genetics (formerly Invitae), Labcorp).